The following is an entry in ClinVar:

ClinVar aggregate classification (germline): Benign/Likely benign. Review status: criteria provided, multiple submitters, no conflicts (2 of 4 stars). 6 submissions from 6 submitters: Benign (3); Likely benign (2). 1 of the submissions does not count toward it. Last evaluated 2026-01-19.

Conditions:
Familial thoracic aortic aneurysm and aortic dissection (TAAD). Also called: Thoracic aortic aneurysms and dissections. Identifiers: Orphanet 91387, MedGen C4707243, MONDO:0019625.
Oto-palato-digital syndrome, type II (OPD2). Also called: FACIOPALATOOSSEOUS SYNDROME; OPD II SYNDROME; Otopalatodigital Syndrome, Type II; Otopalatodigital Syndrome Type 2 (FLNA-OPD2). Identifiers: Orphanet 669, Orphanet 90652, MedGen C1844696, MONDO:0010571, OMIM 304120.
Frontometaphyseal dysplasia (FMD1). Identifiers: Orphanet 1826, MedGen C0265293, MONDO:0015942.
Heterotopia, periventricular, X-linked dominant (PVNH1). Also called: PERIVENTRICULAR NODULAR HETEROTOPIA 1; PERIVENTRICULAR NODULAR HETEROTOPIA 4; HETEROTOPIA, PERIVENTRICULAR, 1; X-linked periventricular heterotopia. Identifiers: Orphanet 2149, Orphanet 82004, MedGen C1848213, MONDO:0010233, OMIM 300049.
Melnick-Needles syndrome (MNS). Also called: MELNICK-NEEDLES OSTEODYSPLASTY; OSTEODYSPLASTY OF MELNICK AND NEEDLES; Melnick-Needles Syndrome (FLNA-MNS). Identifiers: Orphanet 2484, MedGen C0025237, MONDO:0010650, OMIM 309350.
FLNA-related disorder.

Allele frequency attached by ClinVar (database versions not stated): gnomAD 0.00002 and 0.00003; gnomAD exomes 0.00004 and 0.00007; ExAC 0.00006; TOPMed 0.00007.
gnomAD v4.1: 52 of 1,210,734 alleles (0.0043%); highest among the groups gnomAD compares: African/African-American, 0.014%; no homozygotes.

Submissions (6):

Labcorp Genetics (formerly Invitae), Labcorp
Classification: Benign for Oto-palato-digital syndrome, type II; Heterotopia, periventricular, X-linked dominant; Frontometaphyseal dysplasia; Melnick-Needles syndrome. Last evaluated: 2026-01-19. Review status: criteria provided, single submitter. Criteria: Invitae Variant Classification Sherloc (09022015). Collection method: clinical testing. Allele origin: germline.

Mayo Clinic Laboratories, Mayo Clinic
Classification: Benign. Last evaluated: 2025-10-17. Review status: criteria provided, single submitter. Criteria: ACMG Guidelines, 2015. Collection method: clinical testing. Allele origin: germline. Observed: 1 variant allele.
Comment: BS1, BS2

Ambry Genetics
Classification: Benign for Familial thoracic aortic aneurysm and aortic dissection. Last evaluated: 2024-10-28. Review status: criteria provided, single submitter. Criteria: Ambry Variant Classification Scheme 2023. Collection method: clinical testing. Allele origin: germline.

GeneDx
Classification: Likely benign. Last evaluated: 2021-03-11. Review status: criteria provided, single submitter. Criteria: GeneDx Variant Classification Process June 2021. Collection method: clinical testing. Allele origin: germline. Affected: yes.

Blueprint Genetics
Classification: Likely benign. Last evaluated: 2019-09-28. Review status: criteria provided, single submitter. Criteria: ACMG Guidelines, 2015. Collection method: clinical testing. Allele origin: germline.

PreventionGenetics, part of Exact Sciences
Classification: Likely benign for FLNA-related condition. Last evaluated: 2020-10-23. Review status: no assertion criteria provided. Collection method: clinical testing. Allele origin: germline. Not counted in ClinVar's aggregate classification.
Comment: This variant is classified as likely benign based on ACMG/AMP sequence variant interpretation guidelines (Richards et al. 2015 PMID: 25741868, with internal and published modifications).

NM_001110556.2(FLNA):c.6001C>T (p.Arg2001Trp)

Gene: FLNA (filamin A; minus strand). Cytogenetic location: Xq28.
Variant type: single nucleotide variant.
Coding change: c.6001C>T on transcript NM_001110556.2 (MANE Select); coding-DNA position 6001, C replaced by T.
Protein change: p.Arg2001Trp; replaces arginine 2001 with tryptophan.
Molecular consequence: missense variant.
Genome position (GRCh38, 1-based): chrX:154,353,317, G>A on the plus strand (C>T on the coding strand, the complement: FLNA is on the minus strand). VCF-style: chrX-154353317-G-A. GRCh37 (hg19) VCF-style: chrX-153581685-G-A.
Other names: p.Arg1993Trp; c.6001C>T (NM_001110556.1); c.5977C>T, p.Arg1993Trp (NM_001456.4); short protein forms R2001W, R1993W.
Identifiers: ClinVar variation 700137 (VCV000700137.19), dbSNP rs782160183, ClinGen allele CA10560190.